The following is an entry in ClinVar:

NM_001844.5(COL2A1):c.2517+2T>C

Gene: COL2A1 (collagen type II alpha 1 chain; minus strand). Cytogenetic location: 12q13.11.
Variant type: single nucleotide variant.
Coding change: c.2517+2T>C on transcript NM_001844.5 (MANE Select); the canonical splice donor site of the intron after coding-DNA position 2517, T replaced by C.
Molecular consequence: splice donor variant.
Genome position (GRCh38, 1-based): chr12:47,980,913, A>G on the plus strand (T>C on the coding strand, the complement: COL2A1 is on the minus strand). VCF-style: chr12-47980913-A-G. GRCh37 (hg19) VCF-style: chr12-48374696-A-G.
Other names: c.2310+2T>C (NM_033150.3).
Identifiers: ClinVar variation 2002811 (VCV002002811.4), dbSNP rs2540124442, ClinGen allele CA384544854.

ClinVar aggregate classification (germline): Likely pathogenic (1 of 4 stars; one submission).

Allele frequency attached by ClinVar (database versions not stated): gnomAD exomes below 0.00001.
gnomAD v4.1: 1 of 1,552,580 alleles (0.000064%); highest among the groups gnomAD compares: Non-Finnish European, 0.000087%; no homozygotes.

Submission:

Labcorp Genetics (formerly Invitae), Labcorp
Classification: Likely pathogenic. Last evaluated: 2023-04-14. Review status: criteria provided, single submitter. Criteria: Invitae Variant Classification Sherloc (09022015). Collection method: clinical testing. Allele origin: germline.
Comment: This variant is not present in population databases (gnomAD no frequency). This sequence change affects a donor splice site in intron 38 of the COL2A1 gene. It is expected to disrupt RNA splicing. Variants that disrupt the donor or acceptor splice site typically lead to a loss of protein function (PMID: 16199547), and loss-of-function variants in COL2A1 are known to be pathogenic (PMID: 20179744). Disruption of this splice site has been observed in individual(s) with Stickler syndrome (PMID: 20179744). ClinVar contains an entry for this variant (Variation ID: 2002811). Algorithms developed to predict the effect of sequence changes on RNA splicing suggest that this variant may disrupt the consensus splice site. In summary, the currently available evidence indicates that the variant is pathogenic, but additional data are needed to prove that conclusively. Therefore, this variant has been classified as Likely Pathogenic.

Literature cited by the submitters: PubMed 16199547; PubMed 20179744.